The following is an entry in ClinVar:

ClinVar aggregate classification (germline): Conflicting classifications of pathogenicity. Review status: criteria provided, conflicting classifications (1 of 4 stars). 8 submissions from 8 submitters: Uncertain significance (6); Benign (1); Likely benign (1). Last evaluated 2025-11-18.

Conditions:
COL6A3-related disorder. Also called: COL6A3-related condition; COL6A3-related disorders.
Bethlem myopathy 1C (BTHLM1C). Identifiers: MedGen C5935581, MONDO:0958234, OMIM 620726.
Bethlem myopathy 1A. Also called: MYOPATHY, BENIGN CONGENITAL, WITH CONTRACTURES; Bethlem myopathy 1; Bethlem Muscular Dystrophy. Identifiers: Orphanet 610, MedGen CN029274, MONDO:0024530, OMIM 158810.
Collagen 6-related myopathy. Identifiers: MedGen CN117976, MONDO:0100225.

Allele frequency attached by ClinVar (database versions not stated): TOPMed 0.00014; 1000 Genomes Project 30x 0.00016; gnomAD exomes 0.00018 and 0.00021; gnomAD 0.00019 and 0.00021; 1000 Genomes Project 0.00020; ExAC 0.00023; ESP Exome Variant Server 0.00038.
gnomAD v4.1: 296 of 1,614,206 alleles (0.018%); highest among the groups gnomAD compares: Non-Finnish European, 0.021%; no homozygotes.

Submissions (8):

Labcorp Genetics (formerly Invitae), Labcorp
Classification: Likely benign for Bethlem myopathy 1A. Last evaluated: 2025-11-18. Review status: criteria provided, single submitter. Criteria: Invitae Variant Classification Sherloc (09022015). Collection method: clinical testing. Allele origin: germline.

PreventionGenetics, part of Exact Sciences
Classification: Uncertain significance for COL6A3-related condition. Last evaluated: 2025-05-27. Review status: criteria provided, single submitter. Criteria: ACMG Guidelines, 2015. Collection method: clinical testing. Allele origin: germline.
Comment: The COL6A3 c.2231C>T variant is predicted to result in the amino acid substitution p.Pro744Leu. This variant was reported in two individuals with limb girdle muscular dystrophy 1A (Nallamilli et al 2018. PubMed ID: 30564623). This variant is reported in 0.033% of alleles in individuals of European (Non-Finnish) descent in gnomAD. At this time, the clinical significance of this variant is uncertain due to the absence of conclusive functional and genetic evidence.

Blueprint Genetics
Classification: Uncertain significance. Last evaluated: 2024-10-23. Review status: criteria provided, single submitter. Criteria: ACMG Guidelines, 2015. Collection method: clinical testing. Allele origin: germline.

Genomic Medicine Center of Excellence, King Faisal Specialist Hospital and Research Centre
Classification: Uncertain significance for Bethlem myopathy 1C. Last evaluated: 2024-04-04. Review status: criteria provided, single submitter. Criteria: ACMG Guidelines, 2015. Collection method: clinical testing. Allele origin: germline.

Revvity Omics, Revvity
Classification: Uncertain significance. Last evaluated: 2023-01-06. Review status: criteria provided, single submitter. Criteria: ACMG Guidelines, 2015. Collection method: clinical testing. Allele origin: germline.

GeneDx
Classification: Uncertain significance. Last evaluated: 2022-08-04. Review status: criteria provided, single submitter. Criteria: GeneDx Variant Classification Process June 2021. Collection method: clinical testing. Allele origin: germline. Affected: yes.
Comment: Identified as heterozygous in two individuals with clinically suspected limb girdle muscular dystrophy, one of whom was also reported to have a second COL6A3 variant, but no additional phenotypic or segregation information was available (Nallamilli et al., 2018); In silico analysis supports that this missense variant has a deleterious effect on protein structure/function; This variant is associated with the following publications: (PMID: 30564623)

Illumina Laboratory Services, Illumina
Classification: Benign for Collagen VI-related myopathy. Last evaluated: 2018-01-13. Review status: criteria provided, single submitter. Criteria: ICSL Variant Classification Criteria 13 December 2019. Collection method: clinical testing. Allele origin: germline.
Comment: This variant was observed in the ICSL laboratory as part of a predisposition screen in an ostensibly healthy population. It had not been previously curated by ICSL or reported in the Human Gene Mutation Database (HGMD: prior to June 1st, 2018), and was therefore a candidate for classification through an automated scoring system. Utilizing variant allele frequency, disease prevalence and penetrance estimates, and inheritance mode, an automated score was calculated to assess if this variant is too frequent to cause the disease. Based on the score and internal cut-off values, a variant classified as benign is not then subjected to further curation. The score for this variant resulted in a classification of benign for this disease.

Eurofins Ntd Llc (ga)
Classification: Uncertain significance. Last evaluated: 2017-06-27. Review status: criteria provided, single submitter. Criteria: EGL Classification Definitions 2015. Collection method: clinical testing. Allele origin: germline. Observed: 4 variant alleles, 4 heterozygotes.

NM_004369.4(COL6A3):c.2231C>T (p.Pro744Leu)

Gene: COL6A3 (collagen type VI alpha 3 chain; minus strand). Cytogenetic location: 2q37.3.
Variant type: single nucleotide variant.
Coding change: c.2231C>T on transcript NM_004369.4 (MANE Select); coding-DNA position 2231, C replaced by T.
Protein change: p.Pro744Leu; replaces proline 744 with leucine.
Molecular consequence: missense variant. On other transcripts: intron variant (1).
Genome position (GRCh38, 1-based): chr2:237,378,902, G>A on the plus strand (C>T on the coding strand, the complement: COL6A3 is on the minus strand). VCF-style: chr2-237378902-G-A. GRCh37 (hg19) VCF-style: chr2-238287545-G-A.
Other names: c.1010C>T, p.Pro337Leu (NM_057164.5); c.1613C>T, p.Pro538Leu (NM_057165.5, NM_057167.4); c.677-1558C>T (NM_057166.5); short protein forms P744L, P337L, P538L.
Identifiers: ClinVar variation 288643 (VCV000288643.29), dbSNP rs199504304, ClinGen allele CA2189449.